The following is an entry in ClinVar:

NM_006031.6(PCNT):c.1936+9C>G

Gene: PCNT (pericentrin; plus strand). Cytogenetic location: 21q22.3.
Variant type: single nucleotide variant.
Coding change: c.1936+9C>G on transcript NM_006031.6 (MANE Select); 9 bases into the intron after coding-DNA position 1936, C replaced by G.
Molecular consequence: intron variant.
Genome position (GRCh38, 1-based): chr21:46,355,635, C>G. VCF-style: chr21-46355635-C-G. GRCh37 (hg19) VCF-style: chr21-47775550-C-G.
Other names: c.1582+9C>G (NM_001315529.2).
Identifiers: ClinVar variation 4982774 (VCV004982774.1).

ClinVar aggregate classification (germline): Likely benign (1 of 4 stars; one submission).

Conditions:
PCNT-related disorder. Also called: PCNT-related condition.

gnomAD v4.1: 3 of 1,611,926 alleles (0.00019%); highest among the groups gnomAD compares: Non-Finnish European, 0.00025%; no homozygotes.

Submission:

PreventionGenetics, part of Exact Sciences
Classification: Likely benign for PCNT-related condition. Last evaluated: 2026-07-21. Review status: criteria provided, single submitter. Criteria: ACMG Guidelines, 2015. Collection method: clinical testing. Allele origin: germline.
Comment: This variant is classified as likely benign based on ACMG/AMP sequence variant interpretation guidelines (Richards et al. 2015 PMID: 25741868, with internal and published modifications).